The following is an entry in ClinVar:

NM_001961.4(EEF2):c.2522G>A (p.Arg841His)

Gene: EEF2 (eukaryotic translation elongation factor 2; minus strand). Cytogenetic location: 19p13.3.
Variant type: single nucleotide variant.
Coding change: c.2522G>A on transcript NM_001961.4 (MANE Select); coding-DNA position 2522, G replaced by A.
Protein change: p.Arg841His; replaces arginine 841 with histidine.
Molecular consequence: missense variant.
Genome position (GRCh38, 1-based): chr19:3,976,609, C>T on the plus strand (G>A on the coding strand, the complement: EEF2 is on the minus strand). VCF-style: chr19-3976609-C-T. GRCh37 (hg19) VCF-style: chr19-3976607-C-T.
Other names: short protein forms R841H.
Identifiers: ClinVar variation 3360754 (VCV003360754.1).
Genomic context (GRCh38, chr19:3,976,609, plus strand): 5'-GCCGCCTACAATTTGTCCAGGAAGTTGTCCAGGGCAGGGATGCCTTCTTTCAGGCCCTTG[C>T]GCTTGCGGGTCTCCGCCACCACCTGGCTGGGGCGGCTGCTGTTGTCGAAGGGGTCTCCGG-3'
Protein context (NP_001952.1, residues 831-851): PSQVVAETRK[Arg841His]KGLKEGIPAL

ClinVar aggregate classification (germline): Uncertain significance (1 of 4 stars; one submission).

Submission:

GeneDx
Classification: Uncertain significance. Last evaluated: 2023-07-06. Review status: criteria provided, single submitter. Criteria: GeneDx Variant Classification Process June 2021. Collection method: clinical testing. Allele origin: germline. Affected: yes.
Comment: Not observed at significant frequency in large population cohorts (gnomAD); In silico analysis supports that this missense variant has a deleterious effect on protein structure/function; Has not been previously published as pathogenic or benign to our knowledge